The following is an entry in ClinVar:

ClinVar aggregate classification (germline): Uncertain significance. Review status: criteria provided, multiple submitters, no conflicts (2 of 4 stars). 2 submissions from 2 submitters: Uncertain significance (2). Last evaluated 2025-07-28.

Conditions:
Inborn genetic diseases. Identifiers: MedGen C0950123, MeSH D030342.
LAMB3-related disorder. Also called: LAMB3-related condition.

gnomAD v4.1: 23 of 1,613,724 alleles (0.0014%); highest among the groups gnomAD compares: Non-Finnish European, 0.0018%; no homozygotes.

Submissions (2):

PreventionGenetics, part of Exact Sciences
Classification: Uncertain significance for LAMB3-related condition. Last evaluated: 2025-07-28. Review status: criteria provided, single submitter. Criteria: ACMG Guidelines, 2015. Collection method: clinical testing. Allele origin: germline.
Comment: The LAMB3 c.1727C>G variant is predicted to result in the amino acid substitution p.Pro576Arg. To our knowledge, this variant has not been reported in the literature. This variant is reported in 0.0027% of alleles in individuals of European (non-Finnish) descent in gnomAD. At this time, the clinical significance of this variant is uncertain due to the absence of conclusive functional and genetic evidence.

Ambry Genetics
Classification: Uncertain significance for Inborn genetic diseases. Last evaluated: 2025-01-09. Review status: criteria provided, single submitter. Criteria: Ambry Variant Classification Scheme 2023. Collection method: clinical testing. Allele origin: germline.

NM_000228.3(LAMB3):c.1727C>G (p.Pro576Arg)

Gene: LAMB3 (laminin subunit beta 3; minus strand). Cytogenetic location: 1q32.2.
Variant type: single nucleotide variant.
Coding change: c.1727C>G on transcript NM_000228.3 (MANE Select); coding-DNA position 1727, C replaced by G.
Protein change: p.Pro576Arg; replaces proline 576 with arginine.
Molecular consequence: missense variant.
Genome position (GRCh38, 1-based): chr1:209,625,897, G>C on the plus strand (C>G on the coding strand, the complement: LAMB3 is on the minus strand). VCF-style: chr1-209625897-G-C. GRCh37 (hg19) VCF-style: chr1-209799242-G-C.
Other names: c.1727C>G, p.Pro576Arg (NM_001017402.2, NM_001127641.1); short protein forms P576R.
Identifiers: ClinVar variation 2398222 (VCV002398222.4), dbSNP rs202063530, ClinGen allele CA1375481.